The following is an entry in ClinVar:

ClinVar aggregate classification (germline): Uncertain significance (1 of 4 stars; one submission).

Conditions:
Inborn genetic diseases. Identifiers: MedGen C0950123, MeSH D030342.

Submission:

Ambry Genetics
Classification: Uncertain significance for Inborn genetic diseases. Last evaluated: 2025-06-18. Review status: criteria provided, single submitter. Criteria: Ambry Variant Classification Scheme 2023. Collection method: clinical testing. Allele origin: germline.
Comment: The p.P1089L variant (also known as c.3266C>T), located in coding exon 13 of the ASXL1 gene, results from a C to T substitution at nucleotide position 3266. The proline at codon 1089 is replaced by leucine, an amino acid with similar properties. This amino acid position is conserved. In addition, this alteration is predicted to be tolerated by in silico analysis. Based on the available evidence, the clinical significance of this variant remains unclear.

NM_015338.6(ASXL1):c.3266C>T (p.Pro1089Leu)

Gene: ASXL1 (ASXL transcriptional regulator 1; plus strand). Cytogenetic location: 20q11.21.
Variant type: single nucleotide variant.
Coding change: c.3266C>T on transcript NM_015338.6 (MANE Select); coding-DNA position 3266, C replaced by T.
Protein change: p.Pro1089Leu; replaces proline 1089 with leucine.
Molecular consequence: missense variant.
Genome position (GRCh38, 1-based): chr20:32,435,978, C>T. VCF-style: chr20-32435978-C-T. GRCh37 (hg19) VCF-style: chr20-31023781-C-T.
Other names: c.3083C>T, p.Pro1028Leu (NM_001363734.1); short protein forms P1028L, P1089L.
Identifiers: ClinVar variation 4157695 (VCV004157695.1).